The following is an entry in ClinVar:

ClinVar aggregate classification (germline): Pathogenic. Review status: criteria provided, multiple submitters, no conflicts (2 of 4 stars). 11 submissions from 11 submitters: Pathogenic (10). 1 of the submissions does not count toward it. Last evaluated 2026-09-08.

Conditions:
GLA-related disorder. Also called: GLA-related condition.
Fabry disease. Also called: ALPHA-GALACTOSIDASE A DEFICIENCY; ANDERSON-FABRY DISEASE; CERAMIDE TRIHEXOSIDASE DEFICIENCY; GLA DEFICIENCY; HEREDITARY DYSTOPIC LIPIDOSIS; Ceramide trihexosidosis. Identifiers: Orphanet 324, MedGen C0002986, MONDO:0010526, OMIM 301500, HP:0001071. Disease mechanism: Fabry disease is due to inactivating mutations in the X-linked GLA gene resulting in deficiency of the enzyme Alpha Galactosidase-A., loss of function.
Cardiovascular phenotype. Identifiers: MedGen CN230736.

Allele frequency attached by ClinVar (database versions not stated): gnomAD exomes below 0.00001.
gnomAD v4.1: 5 of 1,204,534 alleles (0.00042%); highest among the groups gnomAD compares: Non-Finnish European, 0.00056%; no homozygotes.

Submissions 1 to 9 of 11:

Genomenon, Inc
Classification: Pathogenic for Fabry disease. Last evaluated: 2026-09-08. Review status: criteria provided, single submitter. Criteria: Genomenon Sequence Variant Interpretation Standards - Updated. Collection method: curation. Allele origin: germline. Affected: yes.
Comment: GLA p.Arg301Gly (c.901C>G) is a missense variant that changes the amino acid at codon 301 from Arginine to Glycine. This variant has been observed in at least one proband with clinical features consistent with Fabry disease (PMID:30085001;36292965;32647377;21700093;26298600;35548424;31996269;28936893;28672034;12175777;29982630;33838691). The variant was found to segregate with disease in at least one affected family (PMID:30085001;35548424). Functional or patient cell studies have been reported (PMID:32023956;26298600;31899485;25409744;31996269;35548424;30085001;23935525;32647377;27657681). It is absent or not present at a significant frequency in gnomAD. In silico models predict that this variant is possibly or probably damaging. In conclusion, we classify GLA p.Arg301Gly (c.901C>G) as a pathogenic variant.

Labcorp Genetics (formerly Invitae), Labcorp
Classification: Pathogenic for Fabry disease. Last evaluated: 2025-02-12. Review status: criteria provided, single submitter. Criteria: Invitae Variant Classification Sherloc (09022015). Collection method: clinical testing. Allele origin: germline.
Comment: This sequence change replaces arginine, which is basic and polar, with glycine, which is neutral and non-polar, at codon 301 of the GLA protein (p.Arg301Gly). This variant is not present in population databases (gnomAD no frequency). This missense change has been observed in individual(s) with Fabry disease (PMID: 12175777, 28672034; internal data). ClinVar contains an entry for this variant (Variation ID: 179546). Invitae Evidence Modeling of protein sequence and biophysical properties (such as structural, functional, and spatial information, amino acid conservation, physicochemical variation, residue mobility, and thermodynamic stability) indicates that this missense variant is not expected to disrupt GLA protein function with a negative predictive value of 80%. Experimental studies have shown that this missense change affects GLA function (PMID: 23935525, 27657681). This variant disrupts the p.Arg301 amino acid residue in GLA. Other variant(s) that disrupt this residue have been determined to be pathogenic (PMID: 2171331, 8738659, 9395081, 11688386, 15702404, 20505683, 21598360, 22241068, 23378663). This suggests that this residue is clinically significant, and that variants that disrupt this residue are likely to be disease-causing. For these reasons, this variant has been classified as Pathogenic.

Natera, Inc.
Classification: Pathogenic for Fabry disease. Last evaluated: 2025-01-02. Review status: criteria provided, single submitter. Criteria: Natera Variant Classification Schema (03/2026). Collection method: clinical testing. Allele origin: germline.
Comment: The c.901C>G variant in GLA is a missense variant predicted to cause substitution of arginine to glycine at amino acid 301. This variant is rare in the general population with a frequency below the threshold expected for the associated phenotype(s). This variant has been observed in affected individual(s) with monoallelic occurrence (heterozygous/hemizygous) (PMID: 30085001, 31899485, 36292965, 32647377). Functional studies show that this variant may disrupt protein function (PMID: 31899485, 30085001). A different variant at the same position has been determined to be Pathogenic or Likely Pathogenic. Computational prediction algorithms indicate this variant is likely to affect gene or protein function. Given the available evidence, this variant is classified as Pathogenic.

Blueprint Genetics
Classification: Pathogenic for GLA-related disorders. Last evaluated: 2024-06-25. Review status: criteria provided, single submitter. Criteria: ACMG Guidelines, 2015. Collection method: clinical testing. Allele origin: germline. Affected: yes. Observed: 5 variant alleles.

All of Us Research Program, National Institutes of Health
Classification: Pathogenic for Fabry disease. Last evaluated: 2024-04-25. Review status: criteria provided, single submitter. Criteria: ACMG Guidelines, 2015. Collection method: clinical testing. Allele origin: germline. Inheritance: X-linked inheritance. Observed: 1 variant allele, 1 heterozygote.
Comment: This missense variant replaces arginine with glycine at codon 301 of the GLA protein. Computational prediction tools indicate that this variant has a deleterious impact on protein structure and function. Multiple in vitro functional studies have shown that this variant causes a greater than 80% reduction in residual GLA enzyme activity (PMID: 23935525, 27657681, 32023956). This variant has been reported in over ten unrelated individuals affected with Fabry disease, including both males and females affected with both classic and atypical Fabry (PMID: 12175777, 21700093, 25655062, 26298600, 27825144, 28936893, 29626078, 30085001, 32647377, 32306159, 35548424, 36292965). It has been shown that this variant segregates with disease in multiple affected individuals across multiple families (PMID: 29626078, 30085001, 35548424, 36292965). This variant has not been identified in the general population by the Genome Aggregation Database (gnomAD). A different variant affecting the same codon, p.Arg301Gln, is considered to be disease-causing (ClinVar variation ID: 10715), suggesting that arginine at this position is important for GLA protein function. Based on the available evidence, this variant is classified as Pathogenic.

This study involves interpretation of variants in research participants for the purpose of population health screening. Participant phenotype was not available at the time of variant classification. Additional details can be found in publication PMID: 35346344, PMCID: PMC8962531

Color Diagnostics, LLC DBA Color Health
Classification: Pathogenic for Fabry disease. Last evaluated: 2024-03-06. Review status: criteria provided, single submitter. Criteria: ACMG Guidelines, 2015. Collection method: clinical testing. Allele origin: germline.
Comment: This missense variant replaces arginine with glycine at codon 301 of the GLA protein. Computational prediction tools indicate that this variant has a deleterious impact on protein structure and function. Multiple in vitro functional studies have shown that this variant causes a greater than 80% reduction in residual GLA enzyme activity (PMID: 23935525, 27657681, 32023956). This variant has been reported in over ten unrelated individuals affected with Fabry disease, including both males and females affected with both classic and atypical Fabry (PMID: 12175777, 21700093, 25655062, 26298600, 27825144, 28936893, 29626078, 30085001, 32647377, 32306159, 35548424, 36292965). It has been shown that this variant segregates with disease in multiple affected individuals across multiple families (PMID: 29626078, 30085001, 35548424, 36292965). This variant has not been identified in the general population by the Genome Aggregation Database (gnomAD). A different variant affecting the same codon, p.Arg301Gln, is considered to be disease-causing (ClinVar variation ID: 10715), suggesting that arginine at this position is important for GLA protein function. Based on the available evidence, this variant is classified as Pathogenic.

Revvity Omics, Revvity
Classification: Pathogenic. Last evaluated: 2023-10-16. Review status: criteria provided, single submitter. Criteria: ACMG Guidelines, 2015. Collection method: clinical testing. Allele origin: germline.

Ambry Genetics
Classification: Pathogenic for Cardiovascular phenotype. Last evaluated: 2023-04-17. Review status: criteria provided, single submitter. Criteria: Ambry Variant Classification Scheme 2023. Collection method: clinical testing. Allele origin: germline.
Comment: The p.R301G pathogenic mutation (also known as c.901C>G), located in coding exon 6 of the GLA gene, results from a C to G substitution at nucleotide position 901. The arginine at codon 301 is replaced by glycine, an amino acid with dissimilar properties. This alteration has been reported in numerous individuals with Fabry disease, having low enzyme activity observed (Shabbeer J et al. Mol Genet Metab, 2002 May;76:23-30; Calcagnino M et al. J Am Coll Cardiol, 2011 Jun;58:88-9; Romani I et al. J Stroke Cerebrovasc Dis, 2015 Nov;24:2588-95; Esposito R et al. Eur Heart J Cardiovasc Imaging, 2019 Apr;20:438-445; Citro R et al. Front Cardiovasc Med, 2022 Apr;9:838200; Di Risi T et al. Int J Mol Sci, 2022 Oct;23:[ePub ahead of print]). Another alteration at the same codon, p.R301Q (c.902G>A), has been detected in individuals with Fabry disease, who had reduced enzyme activity (Sakuraba H et al. Am J Hum Genet. 1990;47:784-789; Shin SH et al Biochem. Biophys. Res. Commun. 2007 Jul;359(1):168-73; Sawada K et al. Clin. Nephrol. 1996 May;45:289-294). In vitro studies showed this alteration impacts protein function (Lukas J et al. PLoS Genet, 2013 Aug;9:e1003632; Benjamin ER et al. Genet Med, 2017 Apr;19:430-438). This variant is considered to be rare based on population cohorts in the Genome Aggregation Database (gnomAD). In addition, this alteration is predicted to be deleterious by BayesDel in silico analysis. Based on the supporting evidence, this alteration is interpreted as a disease-causing mutation.

Genome-Nilou Lab
Classification: Pathogenic for Fabry disease. Last evaluated: 2021-07-15. Review status: criteria provided, single submitter. Criteria: ACMG Guidelines, 2015. Collection method: clinical testing. Allele origin: germline. Affected: no.

NM_000169.3(GLA):c.901C>G (p.Arg301Gly)

Genes: GLA (galactosidase alpha; minus strand), RPL36A-HNRNPH2 (RPL36A-HNRNPH2 readthrough; plus strand). Cytogenetic location: Xq22.1.
Variant type: single nucleotide variant.
Coding change: c.901C>G on transcript NM_000169.3 (MANE Select); coding-DNA position 901, C replaced by G.
Protein change: p.Arg301Gly; replaces arginine 301 with glycine.
Molecular consequence: missense variant. On other transcripts: non-coding transcript variant (3), intron variant (2).
Genome position (GRCh38, 1-based): chrX:101,398,468, G>C on the plus strand (C>G on the coding strand, the complement: GLA is on the minus strand). VCF-style: chrX-101398468-G-C. GRCh37 (hg19) VCF-style: chrX-100653456-G-C.
Other names: c.1024C>G, p.Arg342Gly (NM_001406747.1); c.901C>G, p.Arg301Gly (NM_001406748.1); c.300+3011G>C (NM_001199973.2); c.177+6646G>C (NM_001199974.2); short protein forms R301G, R342G.
Identifiers: ClinVar variation 179546 (VCV000179546.28), dbSNP rs398123224, ClinGen allele CA022178.